The following is an entry in ClinVar:

ClinVar aggregate classification (germline): Pathogenic (1 of 4 stars; one submission).

Conditions:
Neurofibromatosis, type 1 (NF1). Also called: VON RECKLINGHAUSEN DISEASE; NEUROFIBROMATOSIS, TYPE I, SOMATIC; Neurofibromatosis, type I; Peripheral type neurofibromatosis. Identifiers: Orphanet 636, MedGen C0027831, MONDO:0018975, OMIM 162200. Disease mechanism: loss of function.

Submission:

Labcorp Genetics (formerly Invitae), Labcorp
Classification: Pathogenic for Neurofibromatosis, type 1. Last evaluated: 2023-07-26. Review status: criteria provided, single submitter. Criteria: Invitae Variant Classification Sherloc (09022015). Collection method: clinical testing. Allele origin: germline.
Comment: Information on the frequency of this variant in the gnomAD database is not available, as this variant may be reported differently in the database. This sequence change creates a premature translational stop signal (p.Phe17*) in the NF1 gene. It is expected to result in an absent or disrupted protein product. Loss-of-function variants in NF1 are known to be pathogenic (PMID: 10712197, 23913538). This variant has not been reported in the literature in individuals affected with NF1-related conditions. For these reasons, this variant has been classified as Pathogenic. ClinVar contains an entry for this variant (Variation ID: 2033089).

Literature cited by the submitters: PubMed 10712197; PubMed 23913538.

NM_001042492.3(NF1):c.50_51delinsAA (p.Phe17Ter)

Genes: MIR4733HG (MIR4733 host gene; minus strand), NF1 (neurofibromin 1; plus strand), LOC111811965 (NF1 (neurofibromin 1) promoter region; plus strand). Cytogenetic location: 17q11.2.
Variant type: Indel.
Coding change: c.50_51delinsAA on transcript NM_001042492.3 (MANE Select); coding-DNA positions 50 to 51, TC replaced by AA.
Protein change: p.Phe17Ter; replaces phenylalanine 17 with a stop codon.
Molecular consequence: nonsense. On other transcripts: non-coding transcript variant (1).
Genome position (GRCh38, 1-based): chr17:31,095,359-31,095,360, TC replaced by AA. VCF-style: chr17-31095359-TC-AA. GRCh37 (hg19) VCF-style: chr17-29422377-TC-AA.
Other names: c.50_51delTCinsAA, p.Phe17Ter (NM_000267.4); c.50_51delinsAA, p.Phe17Ter (NM_001128147.3); short protein forms F17*.
Identifiers: ClinVar variation 2033089 (VCV002033089.4), dbSNP rs2544511554, ClinGen allele CA2580093206.
Genomic context (GRCh38, chr17:31,095,359, plus strand): 5'-GCGGGGAGGACATGGCCGCGCACAGGCCGGTGGAATGGGTCCAGGCCGTGGTCAGCCGCT[TC>AA]GACGAGCAGGTAACCGGCCCGTGGCGGGCGGGAGGTGGGAGCGGAGTGGGGGTGGGGACA-3'